The following is an entry in ClinVar:

NM_000275.3(OCA2):c.2473A>T (p.Met825Leu)

Gene: OCA2 (OCA2 melanosomal transmembrane protein; minus strand). Cytogenetic location: 15q12.
Variant type: single nucleotide variant.
Coding change: c.2473A>T on transcript NM_000275.3 (MANE Select); coding-DNA position 2473, A replaced by T.
Protein change: p.Met825Leu; replaces methionine 825 with leucine.
Molecular consequence: missense variant.
Genome position (GRCh38, 1-based): chr15:27,755,432, T>A on the plus strand (A>T on the coding strand, the complement: OCA2 is on the minus strand). VCF-style: chr15-27755432-T-A. GRCh37 (hg19) VCF-style: chr15-28000578-T-A.
Other names: c.2401A>T, p.Met801Leu (NM_001300984.2); short protein forms M801L, M825L.
Identifiers: ClinVar variation 1305143 (VCV001305143.7), dbSNP rs763881975, ClinGen allele CA7438554.
Genomic context (GRCh38, chr15:27,755,432, plus strand): 5'-AATAGATGGATGTCTATTAATTCCATCCCACCACCACATGAGCCACAAGGAGATAACACA[T>A]CCCAACAGTGCAGGACACAACCATCATTGGGAAGCCCAGCCTGAAATACAAAGAGAAATG-3'
Protein context (NP_000266.2, residues 815-835): PMMVVSCTVG[Met825Leu]CYLLVAHVVV

ClinVar aggregate classification (germline): Conflicting classifications of pathogenicity. Review status: criteria provided, conflicting classifications (1 of 4 stars). 3 submissions from 3 submitters: Uncertain significance (2); Likely benign (1). Last evaluated 2025-04-14.

Conditions:
Inborn genetic diseases. Identifiers: MedGen C0950123, MeSH D030342.

Allele frequency attached by ClinVar (database versions not stated): TOPMed below 0.00001; gnomAD 0.00001; ExAC 0.00007; gnomAD exomes 0.00007.
gnomAD v4.1: 14 of 1,613,764 alleles (0.00087%); highest among the groups gnomAD compares: East Asian, 0.031%; no homozygotes.

Submissions (3):

Labcorp Genetics (formerly Invitae), Labcorp
Classification: Likely benign. Last evaluated: 2025-04-14. Review status: criteria provided, single submitter. Criteria: Invitae Variant Classification Sherloc (09022015). Collection method: clinical testing. Allele origin: germline.

Ambry Genetics
Classification: Uncertain significance for Inborn genetic diseases. Last evaluated: 2024-10-30. Review status: criteria provided, single submitter. Criteria: Ambry Variant Classification Scheme 2023. Collection method: clinical testing. Allele origin: germline.

GeneDx
Classification: Uncertain significance. Last evaluated: 2021-02-04. Review status: criteria provided, single submitter. Criteria: GeneDx Variant Classification Process June 2021. Collection method: clinical testing. Allele origin: germline. Affected: yes.
Comment: In silico analysis supports that this missense variant does not alter protein structure/function; Has not been previously published as pathogenic or benign to our knowledge